The following is an entry in ClinVar:

NM_001374736.1(DST):c.5029G>C (p.Ala1677Pro)

Gene: DST (dystonin; minus strand). Cytogenetic location: 6p12.1.
Variant type: single nucleotide variant.
Coding change: c.5029G>C on transcript NM_001374736.1 (MANE Select); coding-DNA position 5029, G replaced by C.
Protein change: p.Ala1677Pro; replaces alanine 1677 with proline.
Molecular consequence: missense variant.
Genome position (GRCh38, 1-based): chr6:56,614,385, C>G on the plus strand (G>C on the coding strand, the complement: DST is on the minus strand). VCF-style: chr6-56614385-C-G. GRCh37 (hg19) VCF-style: chr6-56479183-C-G.
Other names: c.4930G>C, p.Ala1644Pro (NM_001144769.5); c.4516G>C, p.Ala1506Pro (NM_001144770.2); c.5029G>C, p.Ala1677Pro (NM_001374722.1); c.4396G>C, p.Ala1466Pro (NM_001374729.1, NM_001374730.1, NM_001386100.1 and 1 more transcripts); c.5056G>C, p.Ala1686Pro (NM_001374734.1); c.3418G>C, p.Ala1140Pro (NM_015548.5); short protein forms A1140P, A1466P, A1506P, A1644P, A1677P, A1686P.
Identifiers: ClinVar variation 3573638 (VCV003573638.3).

ClinVar aggregate classification (germline): Uncertain significance. Review status: criteria provided, multiple submitters, no conflicts (2 of 4 stars). 2 submissions from 2 submitters: Uncertain significance (2). Last evaluated 2024-07-14.

Conditions:
Hereditary sensory and autonomic neuropathy type 6. Also called: Neuropathy, hereditary sensory and autonomic, type VI; HSAN VI. Identifiers: Orphanet 314381, MedGen C3539003, MONDO:0013839, OMIM 614653.
Epidermolysis bullosa simplex 3, localized or generalized intermediate, with BP230 deficiency (EBS3). Also called: Epidermolysis bullosa simplex, autosomal recessive 2; Epidermolysis bullosa simplex due to BP230 deficiency. Identifiers: Orphanet 412181, MedGen C3809470, MONDO:0014180, OMIM 615425.

gnomAD v4.1: 12 of 1,607,822 alleles (0.00075%); highest among the groups gnomAD compares: Non-Finnish European, 0.00093%; no homozygotes.

Submissions (2):

GeneDx
Classification: Uncertain significance. Last evaluated: 2024-07-14. Review status: criteria provided, single submitter. Criteria: GeneDx Variant Classification Process June 2021. Collection method: clinical testing. Allele origin: germline. Affected: yes.
Comment: Not observed at significant frequency in large population cohorts (gnomAD); In silico analysis supports that this missense variant has a deleterious effect on protein structure/function; Reported using an alternate transcript (non-epithelial isoform) of the gene.; Has not been previously published as pathogenic or benign to our knowledge

Labcorp Genetics (formerly Invitae), Labcorp
Classification: Uncertain significance for Epidermolysis bullosa simplex 3, localized or generalized intermediate, with BP230 deficiency; Hereditary sensory and autonomic neuropathy type 6. Last evaluated: 2024-04-01. Review status: criteria provided, single submitter. Criteria: Invitae Variant Classification Sherloc (09022015). Collection method: clinical testing. Allele origin: germline.
Comment: The DST gene has multiple clinically relevant transcripts. This variant occurs in alternate transcript NM_015548.4, and corresponds to NM_001723.5:c.*1132G>C, in the primary transcript. This sequence change replaces alanine, which is neutral and non-polar, with proline, which is neutral and non-polar, at codon 1140 of the DST protein (p.Ala1140Pro). This variant is not present in population databases (gnomAD no frequency). This variant has not been reported in the literature in individuals affected with DST-related conditions. Experimental studies and prediction algorithms are not available or were not evaluated, and the functional significance of this variant is currently unknown. In summary, the available evidence is currently insufficient to determine the role of this variant in disease. Therefore, it has been classified as a Variant of Uncertain Significance.